The following is an entry in ClinVar:

NC_000019.9:g.(?_2102172)_(2111351_?)dup

Gene: AP3D1 (adaptor related protein complex 3 subunit delta 1; minus strand). Cytogenetic location: 19p13.3.
Variant type: Duplication.
Identifiers: ClinVar variation 3242664 (VCV003242664.1).

ClinVar aggregate classification (germline): Uncertain significance (1 of 4 stars; one submission).

Submission:

Labcorp Genetics (formerly Invitae), Labcorp
Classification: Uncertain significance. Last evaluated: 2023-06-23. Review status: criteria provided, single submitter. Criteria: Invitae Variant Classification Sherloc (09022015). Collection method: clinical testing. Allele origin: unknown.
Comment: In summary, the available evidence is currently insufficient to determine the role of this variant in disease. Therefore, it has been classified as a Variant of Uncertain Significance. This variant has not been reported in the literature in individuals affected with AP3D1-related conditions. This variant results in a copy number gain of the genomic region encompassing exon(s) 26-32 of the AP3D1 gene. This region includes the termination codon of the gene. This copy number gain extends beyond the assayed region for this gene and therefore may encompass additional genes. As the precise location of this event is unknown, it may be in tandem or it may be located elsewhere in the genome.